The following is an entry in ClinVar:

ClinVar aggregate classification (germline): Pathogenic (1 of 4 stars; one submission).

Conditions:
Autosomal recessive nonsyndromic hearing loss 3. Also called: NEUROSENSORY NONSYNDROMIC RECESSIVE DEAFNESS 3. Identifiers: Orphanet 90636, MedGen C1838263, MONDO:0010860, OMIM 600316.

Submission:

Institute of Rare Diseases, West China Hospital, Sichuan University
Classification: Pathogenic for Autosomal recessive nonsyndromic hearing loss 3. Last evaluated: 2025-01-09. Review status: criteria provided, single submitter. Criteria: ClinGen HL ACMG Specifications v1. Collection method: research. Allele origin: germline. Affected: yes.
Comment: PVS1;PP1;PM2_Supporting

NM_016239.4(MYO15A):c.6153del (p.Lys2052fs)

Gene: MYO15A (myosin XVA; plus strand). Cytogenetic location: 17p11.2.
Variant type: Deletion.
Coding change: c.6153del on transcript NM_016239.4 (MANE Select); coding-DNA position 6153, one base deleted (C; older notation c.6153delC).
Protein change: p.Lys2052fs; shifts the reading frame from lysine 2052.
Molecular consequence: frameshift variant.
Genome position (GRCh38, 1-based): chr17:18,143,976, C deleted; the last of 2 consecutive C bases (chr17:18,143,975-18,143,976); deleting either gives the same sequence. VCF-style (leftmost placement, unchanged base first): chr17-18143974-GC-G. GRCh37 (hg19) VCF-style: chr17-18047288-GC-G.
Other names: short protein forms K2052fs.
Identifiers: ClinVar variation 3601365 (VCV003601365.1).